The following is an entry in ClinVar:

NM_017636.4(TRPM4):c.3076A>C (p.Ile1026Leu)

Gene: TRPM4 (transient receptor potential cation channel subfamily M member 4; plus strand). Cytogenetic location: 19q13.33.
Variant type: single nucleotide variant.
Coding change: c.3076A>C on transcript NM_017636.4 (MANE Select); coding-DNA position 3076, A replaced by C.
Protein change: p.Ile1026Leu; replaces isoleucine 1026 with leucine.
Molecular consequence: missense variant.
Genome position (GRCh38, 1-based): chr19:49,202,086, A>C. VCF-style: chr19-49202086-A-C. GRCh37 (hg19) VCF-style: chr19-49705343-A-C.
Other names: c.2641A>C, p.Ile881Leu (NM_001195227.2); c.2731A>C, p.Ile911Leu (NM_001321281.2); c.1468A>C, p.Ile490Leu (NM_001321282.2); c.2554A>C, p.Ile852Leu (NM_001321283.2); c.2014A>C, p.Ile672Leu (NM_001321285.2); short protein forms I911L, I490L, I672L, I852L, I1026L, I881L.
Identifiers: ClinVar variation 1363602 (VCV001363602.11), dbSNP rs1211638624, ClinGen allele CA406812902.

ClinVar aggregate classification (germline): Uncertain significance. Review status: criteria provided, multiple submitters, no conflicts (2 of 4 stars). 2 submissions from 2 submitters: Uncertain significance (2). Last evaluated 2025-06-28.

Conditions:
Progressive familial heart block type IB (PFHB1B). Identifiers: Orphanet 871, MedGen C1970298, MONDO:0011474, OMIM 604559.
Cardiovascular phenotype. Identifiers: MedGen CN230736.

gnomAD v4.1: 3 of 1,613,940 alleles (0.00019%); highest among the groups gnomAD compares: African/African-American, 0.004%; no homozygotes.

Submissions (2):

Ambry Genetics
Classification: Uncertain significance for Cardiovascular phenotype. Last evaluated: 2025-06-28. Review status: criteria provided, single submitter. Criteria: Ambry Variant Classification Scheme 2023. Collection method: clinical testing. Allele origin: germline.
Comment: The p.I1026L variant (also known as c.3076A>C), located in coding exon 20 of the TRPM4 gene, results from an A to C substitution at nucleotide position 3076. The isoleucine at codon 1026 is replaced by leucine, an amino acid with highly similar properties. This amino acid position is poorly conserved in available vertebrate species. In addition, this alteration is predicted to be tolerated by in silico analysis. Since supporting evidence is limited at this time, the clinical significance of this alteration remains unclear.

Labcorp Genetics (formerly Invitae), Labcorp
Classification: Uncertain significance for Progressive familial heart block type IB. Last evaluated: 2022-03-18. Review status: criteria provided, single submitter. Criteria: Invitae Variant Classification Sherloc (09022015). Collection method: clinical testing. Allele origin: germline.
Comment: This sequence change replaces isoleucine, which is neutral and non-polar, with leucine, which is neutral and non-polar, at codon 1026 of the TRPM4 protein (p.Ile1026Leu). This variant is present in population databases (no rsID available, gnomAD 0.007%). This variant has not been reported in the literature in individuals affected with TRPM4-related conditions. Algorithms developed to predict the effect of missense changes on protein structure and function (SIFT, PolyPhen-2, Align-GVGD) all suggest that this variant is likely to be tolerated. In summary, the available evidence is currently insufficient to determine the role of this variant in disease. Therefore, it has been classified as a Variant of Uncertain Significance.